The following is an entry in ClinVar:

NM_004727.3(SLC24A1):c.1279C>G (p.Leu427Val)

Gene: SLC24A1 (solute carrier family 24 member 1; plus strand). Cytogenetic location: 15q22.31.
Variant type: single nucleotide variant.
Coding change: c.1279C>G on transcript NM_004727.3 (MANE Select); coding-DNA position 1279, C replaced by G.
Protein change: p.Leu427Val; replaces leucine 427 with valine.
Molecular consequence: missense variant.
Genome position (GRCh38, 1-based): chr15:65,625,359, C>G. VCF-style: chr15-65625359-C-G. GRCh37 (hg19) VCF-style: chr15-65917697-C-G.
Other names: c.1279C>G, p.Leu427Val (NM_001301031.1, NM_001301032.1, NM_001301033.2 and 1 more transcripts); short protein forms L427V.
Identifiers: ClinVar variation 1945153 (VCV001945153.5), dbSNP rs748421341, ClinGen allele CA7619873.
Genomic context (GRCh38, chr15:65,625,359, plus strand): 5'-CCCTCCCCAAGCCTCACAACAGCCCTGCTCCCAGAGGAGCTCAGTCCTAGTCCCTCAGTG[C>G]TGCCTCCCAGCTTGCCAGACCTCCACCCCAAGGGAGAGTACCCCCCAGATCTGTTCAGTG-3'
Protein context (NP_004718.1, residues 417-437): PEELSPSPSV[Leu427Val]PPSLPDLHPK

ClinVar aggregate classification (germline): Uncertain significance (1 of 4 stars; one submission).

Allele frequency attached by ClinVar (database versions not stated): gnomAD 0.00001; gnomAD exomes 0.00001; TOPMed 0.00001; ExAC 0.00002.
gnomAD v4.1: 4 of 1,613,942 alleles (0.00025%); highest among the groups gnomAD compares: East Asian, 0.0089%; no homozygotes.

Submission:

Labcorp Genetics (formerly Invitae), Labcorp
Classification: Uncertain significance. Last evaluated: 2022-05-11. Review status: criteria provided, single submitter. Criteria: Invitae Variant Classification Sherloc (09022015). Collection method: clinical testing. Allele origin: germline.
Comment: This variant has not been reported in the literature in individuals affected with SLC24A1-related conditions. This variant is present in population databases (rs748421341, gnomAD 0.01%). This sequence change replaces leucine, which is neutral and non-polar, with valine, which is neutral and non-polar, at codon 427 of the SLC24A1 protein (p.Leu427Val). Algorithms developed to predict the effect of missense changes on protein structure and function (SIFT, PolyPhen-2, Align-GVGD) all suggest that this variant is likely to be tolerated. In summary, the available evidence is currently insufficient to determine the role of this variant in disease. Therefore, it has been classified as a Variant of Uncertain Significance.